The following is an entry in ClinVar:

ClinVar aggregate classification (germline): Conflicting classifications of pathogenicity. Review status: criteria provided, conflicting classifications (1 of 4 stars). 3 submissions from 3 submitters: Uncertain significance (1); Likely benign (2). Last evaluated 2025-02-02.

Conditions:
Inborn genetic diseases. Identifiers: MedGen C0950123, MeSH D030342.

Allele frequency attached by ClinVar (database versions not stated): TOPMed 0.00001; gnomAD 0.00003; gnomAD exomes 0.00005; ExAC 0.00007.
gnomAD v4.1: 74 of 1,614,018 alleles (0.0046%); highest among the groups gnomAD compares: Middle Eastern, 0.066%; 1 homozygote.

Submissions (3):

Ambry Genetics
Classification: Likely benign for Inborn genetic diseases. Last evaluated: 2025-02-02. Review status: criteria provided, single submitter. Criteria: Ambry Variant Classification Scheme 2023. Collection method: clinical testing. Allele origin: germline.

Blueprint Genetics
Classification: Likely benign. Last evaluated: 2024-08-20. Review status: criteria provided, single submitter. Criteria: ACMG Guidelines, 2015. Collection method: clinical testing. Allele origin: germline.

Labcorp Genetics (formerly Invitae), Labcorp
Classification: Uncertain significance. Last evaluated: 2023-02-10. Review status: criteria provided, single submitter. Criteria: Invitae Variant Classification Sherloc (09022015). Collection method: clinical testing. Allele origin: germline.
Comment: In summary, the available evidence is currently insufficient to determine the role of this variant in disease. Therefore, it has been classified as a Variant of Uncertain Significance. Algorithms developed to predict the effect of missense changes on protein structure and function output the following: SIFT: "Tolerated"; PolyPhen-2: "Benign"; Align-GVGD: "Class C0". The glycine amino acid residue is found in multiple mammalian species, which suggests that this missense change does not adversely affect protein function. This variant has not been reported in the literature in individuals affected with DSPP-related conditions. This variant is present in population databases (rs756809329, gnomAD 0.04%), and has an allele count higher than expected for a pathogenic variant. This sequence change replaces aspartic acid, which is acidic and polar, with glycine, which is neutral and non-polar, at codon 284 of the DSPP protein (p.Asp284Gly).

NM_014208.3(DSPP):c.851A>G (p.Asp284Gly)

Genes: DMP1-AS1 (DMP1 and DSPP antisense RNA 1; minus strand), DSPP (dentin sialophosphoprotein; plus strand). Cytogenetic location: 4q22.1.
Variant type: single nucleotide variant.
Coding change: c.851A>G on transcript NM_014208.3 (MANE Select); coding-DNA position 851, A replaced by G.
Protein change: p.Asp284Gly; replaces aspartic acid 284 with glycine.
Molecular consequence: missense variant.
Genome position (GRCh38, 1-based): chr4:87,613,037, A>G. VCF-style: chr4-87613037-A-G. GRCh37 (hg19) VCF-style: chr4-88534189-A-G.
Other names: short protein forms D284G.
Identifiers: ClinVar variation 2163304 (VCV002163304.6), dbSNP rs756809329, ClinGen allele CA3000965.
Genomic context (GRCh38, chr4:87,613,037, plus strand): 5'-ATGAAGAAGCAGGGAATGGAAAAGACAGTAGTAATAACAGCAAGGGCCAGGAGGGCCAGG[A>G]CCATGGGAAAGAAGATGATCATGATAGTAGCATAGGTCAAAATTCAGATAGTAAAGAATA-3'
Protein context (NP_055023.2, residues 274-294): SNNSKGQEGQ[Asp284Gly]HGKEDDHDSS